The following is an entry in ClinVar:

NM_000302.4(PLOD1):c.2119T>C (p.Tyr707His)

Gene: PLOD1 (procollagen-lysine,2-oxoglutarate 5-dioxygenase 1; plus strand). Cytogenetic location: 1p36.22.
Variant type: single nucleotide variant.
Coding change: c.2119T>C on transcript NM_000302.4 (MANE Select); coding-DNA position 2119, T replaced by C.
Protein change: p.Tyr707His; replaces tyrosine 707 with histidine.
Molecular consequence: missense variant.
Genome position (GRCh38, 1-based): chr1:11,974,743, T>C. VCF-style: chr1-11974743-T-C. GRCh37 (hg19) VCF-style: chr1-12034800-T-C.
Other names: c.2260T>C, p.Tyr754His (NM_001316320.2); short protein forms Y707H, Y754H.
Identifiers: ClinVar variation 1024228 (VCV001024228.9), dbSNP rs1645892067, ClinGen allele CA338453829.

ClinVar aggregate classification (germline): Uncertain significance (1 of 4 stars; one submission).

Conditions:
Ehlers-Danlos syndrome, kyphoscoliotic type 1 (EDSKSCL1). Also called: EHLERS-DANLOS SYNDROME, TYPE VIA; Ehlers-Danlos syndrome, hydroxylysine-deficient; EHLERS-DANLOS SYNDROME, OCULAR-SCOLIOTIC TYPE; PLOD1-Related Kyphoscoliotic Ehlers-Danlos Syndrome. Identifiers: Orphanet 1900, MedGen C0268342, MONDO:0016002, OMIM 225400. Disease mechanism: loss of function.

Allele frequency attached by ClinVar (database versions not stated): gnomAD exomes below 0.00001.
gnomAD v4.1: 1 of 1,613,976 alleles (0.000062%); highest among the groups gnomAD compares: Non-Finnish European, 0.000085%; no homozygotes.

Submission:

Labcorp Genetics (formerly Invitae), Labcorp
Classification: Uncertain significance for Ehlers-Danlos syndrome, kyphoscoliotic type 1. Last evaluated: 2022-05-20. Review status: criteria provided, single submitter. Criteria: Invitae Variant Classification Sherloc (09022015). Collection method: clinical testing. Allele origin: germline.
Comment: This sequence change replaces tyrosine, which is neutral and polar, with histidine, which is basic and polar, at codon 707 of the PLOD1 protein (p.Tyr707His). This variant is not present in population databases (gnomAD no frequency). This variant has not been reported in the literature in individuals affected with PLOD1-related conditions. ClinVar contains an entry for this variant (Variation ID: 1024228). Algorithms developed to predict the effect of missense changes on protein structure and function are either unavailable or do not agree on the potential impact of this missense change (SIFT: "Deleterious"; PolyPhen-2: "Probably Damaging"; Align-GVGD: "Class C0"). In summary, the available evidence is currently insufficient to determine the role of this variant in disease. Therefore, it has been classified as a Variant of Uncertain Significance.